The following is an entry in ClinVar:

ClinVar aggregate classification (germline): Uncertain significance (1 of 4 stars; one submission).

Conditions:
Dilated cardiomyopathy 1G (CMD1G). Identifiers: Orphanet 154, MedGen C1858763, MONDO:0011400, OMIM 604145.
Autosomal recessive limb-girdle muscular dystrophy type 2J (LGMDR10). Also called: Limb-girdle muscular dystrophy, type 2J; MUSCULAR DYSTROPHY, LIMB-GIRDLE, AUTOSOMAL RECESSIVE 10. Identifiers: Orphanet 140922, MedGen C1837342, MONDO:0012127, OMIM 608807.

Allele frequency attached by ClinVar (database versions not stated): gnomAD exomes below 0.00001.
gnomAD v4.1: 1 of 1,588,958 alleles (0.000063%); highest among the groups gnomAD compares: Admixed American, 0.0018%; no homozygotes.

Submission:

Labcorp Genetics (formerly Invitae), Labcorp
Classification: Uncertain significance for Dilated cardiomyopathy 1G; Autosomal recessive limb-girdle muscular dystrophy type 2J. Last evaluated: 2022-09-27. Review status: criteria provided, single submitter. Criteria: Invitae Variant Classification Sherloc (09022015). Collection method: clinical testing. Allele origin: germline.
Comment: This sequence change replaces proline, which is neutral and non-polar, with leucine, which is neutral and non-polar, at codon 33596 of the TTN protein (p.Pro33596Leu). This variant is not present in population databases (gnomAD no frequency). This variant has not been reported in the literature in individuals affected with TTN-related conditions. Experimental studies and prediction algorithms are not available or were not evaluated, and the functional significance of this variant is currently unknown. This variant is located in the M band of TTN (PMID: 25589632). Variants in this region may be relevant for neuromuscular disorders, but have not been definitively shown to cause cardiomyopathy (PMID: 23975875). In summary, the available evidence is currently insufficient to determine the role of this variant in disease. Therefore, it has been classified as a Variant of Uncertain Significance.

Literature cited by the submitters: PubMed 25589632; PubMed 23975875.

NM_001267550.2(TTN):c.100787C>T (p.Pro33596Leu)

Genes: TTN (titin; minus strand), TTN-AS1 (TTN antisense RNA 1; plus strand). Cytogenetic location: 2q31.2.
Variant type: single nucleotide variant.
Coding change: c.100787C>T on transcript NM_001267550.2 (MANE Select); coding-DNA position 100787, C replaced by T.
Protein change: p.Pro33596Leu; replaces proline 33596 with leucine.
Molecular consequence: missense variant. On other transcripts: non-coding transcript variant (1).
Genome position (GRCh38, 1-based): chr2:178,535,828, G>A on the plus strand (C>T on the coding strand, the complement: TTN is on the minus strand). VCF-style: chr2-178535828-G-A. GRCh37 (hg19) VCF-style: chr2-179400555-G-A.
Other names: c.95864C>T, p.Pro31955Leu (NM_001256850.1); c.73592C>T, p.Pro24531Leu (NM_003319.4); c.93083C>T, p.Pro31028Leu (NM_133378.4); c.73967C>T, p.Pro24656Leu (NM_133432.3); c.74168C>T, p.Pro24723Leu (NM_133437.4); short protein forms P24723L, P31955L, P24531L, P31028L, P33596L, P24656L.
Identifiers: ClinVar variation 1989050 (VCV001989050.4), dbSNP rs2468589126, ClinGen allele CA349424586.